The following is an entry in ClinVar:

ClinVar aggregate classification (germline): Conflicting classifications of pathogenicity. Review status: criteria provided, conflicting classifications (1 of 4 stars). 2 submissions from 2 submitters: Uncertain significance (1); Likely benign (1). Last evaluated 2025-03-10.

gnomAD v4.1: 67 of 1,546,310 alleles (0.0043%); highest among the groups gnomAD compares: Non-Finnish European, 0.0032%; no homozygotes.

Submissions (2):

Labcorp Genetics (formerly Invitae), Labcorp
Classification: Uncertain significance. Last evaluated: 2025-03-10. Review status: criteria provided, single submitter. Criteria: Invitae Variant Classification Sherloc (09022015). Collection method: clinical testing. Allele origin: germline.
Comment: This sequence change falls in intron 20 of the ACTN1 gene. It does not directly change the encoded amino acid sequence of the ACTN1 protein. It affects a nucleotide within the consensus splice site. This variant is present in population databases (rs761088344, gnomAD 0.04%), and has an allele count higher than expected for a pathogenic variant. This variant has not been reported in the literature in individuals affected with ACTN1-related conditions. Variants that disrupt the consensus splice site are a relatively common cause of aberrant splicing (PMID: 17576681, 9536098). Algorithms developed to predict the effect of sequence changes on RNA splicing suggest that this variant is not likely to affect RNA splicing. In summary, the available evidence is currently insufficient to determine the role of this variant in disease. Therefore, it has been classified as a Variant of Uncertain Significance.

Blueprint Genetics
Classification: Likely benign. Last evaluated: 2024-05-13. Review status: criteria provided, single submitter. Criteria: ACMG Guidelines, 2015. Collection method: clinical testing. Allele origin: germline.

Literature cited by the submitters: PubMed 17576681 (cited by Labcorp Genetics (formerly Invitae), Labcorp); PubMed 9536098 (cited by Labcorp Genetics (formerly Invitae), Labcorp).

NM_001130004.2(ACTN1):c.2427+5C>T

Gene: ACTN1 (actinin alpha 1; minus strand). Cytogenetic location: 14q24.1.
Variant type: single nucleotide variant.
Coding change: c.2427+5C>T on transcript NM_001130004.2 (MANE Select); 5 bases into the intron after coding-DNA position 2427, C replaced by T.
Molecular consequence: intron variant.
Genome position (GRCh38, 1-based): chr14:68,878,453, G>A on the plus strand (C>T on the coding strand, the complement: ACTN1 is on the minus strand). VCF-style: chr14-68878453-G-A. GRCh37 (hg19) VCF-style: chr14-69345170-G-A.
Other names: c.2098-1213C>T (NM_001424029.1); c.2163+5C>T (NM_001424027.1); c.2178+536C>T (NM_001424025.1, NM_001424019.1); c.2244+5C>T (NM_001424024.1); c.2281-1213C>T (NM_001424023.1); c.2346+5C>T (NM_001130005.2, NM_001424014.1); c.2361+536C>T (NM_001102.4, NM_001424012.1); c.2370+5C>T (NM_001411035.1); and 11 more.
Identifiers: ClinVar variation 4804209 (VCV004804209.2).